The following is an entry in ClinVar:

ClinVar aggregate classification (germline): Conflicting classifications of pathogenicity. Review status: criteria provided, conflicting classifications (1 of 4 stars). 3 submissions from 3 submitters: Uncertain significance (1); Likely benign (1). 1 of the submissions does not count toward it. Last evaluated 2023-02-13.

Conditions:
ABCA12-related disorder. Also called: ABCA12-related condition.
Congenital ichthyosis of skin. Identifiers: MedGen C0020758.

Allele frequency attached by ClinVar (database versions not stated): gnomAD exomes below 0.00001; gnomAD 0.00001; TOPMed 0.00002.
gnomAD v4.1: 11 of 1,614,036 alleles (0.00068%); highest among the groups gnomAD compares: South Asian, 0.0011%; no homozygotes.

Submissions (3):

Labcorp Genetics (formerly Invitae), Labcorp
Classification: Likely benign. Last evaluated: 2023-02-13. Review status: criteria provided, single submitter. Criteria: Invitae Variant Classification Sherloc (09022015). Collection method: clinical testing. Allele origin: germline.

Illumina Laboratory Services, Illumina
Classification: Uncertain significance for Congenital ichthyosis of skin. Last evaluated: 2018-01-13. Review status: criteria provided, single submitter. Criteria: ICSL Variant Classification Criteria 13 December 2019. Collection method: clinical testing. Allele origin: germline.

PreventionGenetics, part of Exact Sciences
Classification: Likely benign for ABCA12-related condition. Last evaluated: 2019-03-13. Review status: no assertion criteria provided. Collection method: clinical testing. Allele origin: germline. Not counted in ClinVar's aggregate classification.
Comment: This variant is classified as likely benign based on ACMG/AMP sequence variant interpretation guidelines (Richards et al. 2015 PMID: 25741868, with internal and published modifications).

NM_173076.3(ABCA12):c.1411C>T (p.Leu471=)

Gene: ABCA12 (ATP binding cassette subfamily A member 12; minus strand). Cytogenetic location: 2q35.
Variant type: single nucleotide variant.
Coding change: c.1411C>T on transcript NM_173076.3 (MANE Select); coding-DNA position 1411, C replaced by T.
Protein change: p.Leu471=; no amino-acid change (leucine 471 retained).
Molecular consequence: synonymous variant. On other transcripts: non-coding transcript variant (1).
Genome position (GRCh38, 1-based): chr2:215,019,673, G>A on the plus strand (C>T on the coding strand, the complement: ABCA12 is on the minus strand). VCF-style: chr2-215019673-G-A. GRCh37 (hg19) VCF-style: chr2-215884397-G-A.
Other names: c.457C>T, p.Leu153= (NM_015657.4).
Identifiers: ClinVar variation 895276 (VCV000895276.9), dbSNP rs547232067, ClinGen allele CA64803820.
Genomic context (GRCh38, chr2:215,019,673, plus strand): 5'-CATGGTACAGTAAGCTGGCTGCTATTTCGGTGCCCAGCTCTGCCGCTTCGAGGAGTTGCA[G>A]ATCAAACTCACTTTCTTCACACAGGCTCCCAAAGCTCATATCAGAGAGCTGGCATGACTT-3'
Protein context (NP_775099.2, residues 461-481): GSLCEESEFD[Leu471=]QLLEAAELGT